The following is an entry in ClinVar:

ClinVar aggregate classification (germline): Pathogenic. Review status: criteria provided, multiple submitters, no conflicts (2 of 4 stars). 2 submissions from 2 submitters: Pathogenic (2). Last evaluated 2022-12-15.

Conditions:
Gordon syndrome (DA3). Also called: ARTHROGRYPOSIS MULTIPLEX CONGENITA, DISTAL, TYPE IIA; CAMPTODACTYLY, CLEFT PALATE, AND CLUBFOOT; Gordon's syndrome. Identifiers: Orphanet 376, MedGen C0220666, MONDO:0007252, OMIM 114300.

Allele frequency attached by ClinVar (database versions not stated): gnomAD exomes 0.00001; TOPMed 0.00001.
gnomAD v4.1: 9 of 1,613,876 alleles (0.00056%); highest among the groups gnomAD compares: Non-Finnish European, 0.00076%; no homozygotes.

Submissions (2):

Labcorp Genetics (formerly Invitae), Labcorp
Classification: Pathogenic. Last evaluated: 2022-12-15. Review status: criteria provided, single submitter. Criteria: Invitae Variant Classification Sherloc (09022015). Collection method: clinical testing. Allele origin: germline.
Comment: This sequence change creates a premature translational stop signal (p.Glu2490*) in the PIEZO2 gene. It is expected to result in an absent or disrupted protein product. Loss-of-function variants in PIEZO2 are known to be pathogenic (PMID: 27653382, 27843126). This variant is not present in population databases (gnomAD no frequency). This variant has not been reported in the literature in individuals affected with PIEZO2-related conditions. ClinVar contains an entry for this variant (Variation ID: 1033997). Algorithms developed to predict the effect of sequence changes on RNA splicing suggest that this variant may disrupt the consensus splice site. For these reasons, this variant has been classified as Pathogenic.

Baylor Genetics
Classification: Pathogenic for Gordon syndrome. Last evaluated: 2018-07-09. Review status: criteria provided, single submitter. Criteria: ACMG Guidelines, 2015. Collection method: clinical testing. Allele origin: paternal. Affected: yes.
Comment: This variant was determined to be pathogenic according to ACMG Guidelines, 2015 [PMID:25741868].

Literature cited by the submitters: PubMed 27653382 (cited by Labcorp Genetics (formerly Invitae), Labcorp); PubMed 27843126 (cited by Labcorp Genetics (formerly Invitae), Labcorp).

NM_001378183.1(PIEZO2):c.7807G>T (p.Glu2603Ter)

Gene: PIEZO2 (piezo type mechanosensitive ion channel component 2; minus strand). Cytogenetic location: 18p11.22.
Variant type: single nucleotide variant.
Coding change: c.7807G>T on transcript NM_001378183.1 (MANE Select); coding-DNA position 7807, G replaced by T.
Protein change: p.Glu2603Ter; replaces glutamic acid 2603 with a stop codon.
Molecular consequence: nonsense.
Genome position (GRCh38, 1-based): chr18:10,680,344, C>A on the plus strand (G>T on the coding strand, the complement: PIEZO2 is on the minus strand). VCF-style: chr18-10680344-C-A. GRCh37 (hg19) VCF-style: chr18-10680341-C-A.
Other names: c.7468G>T, p.Glu2490Ter (NM_022068.4); short protein forms E2490*, E2603*.
Identifiers: ClinVar variation 1033997 (VCV001033997.5), dbSNP rs2034210482, ClinGen allele CA401914351.